The following is an entry in ClinVar:

ClinVar aggregate classification (germline): Uncertain significance (1 of 4 stars; one submission).

Conditions:
Glycogen storage disease type III (GSD3). Also called: Cori disease; FORBES DISEASE. Identifiers: Orphanet 366, MedGen C0017922, MONDO:0009291, OMIM 232400.

Submission:

Labcorp Genetics (formerly Invitae), Labcorp
Classification: Uncertain significance for Glycogen storage disease type III. Last evaluated: 2022-03-23. Review status: criteria provided, single submitter. Criteria: Invitae Variant Classification Sherloc (09022015). Collection method: clinical testing. Allele origin: germline.
Comment: This sequence change replaces lysine, which is basic and polar, with asparagine, which is neutral and polar, at codon 326 of the AGL protein (p.Lys326Asn). This variant is not present in population databases (gnomAD no frequency). This variant has not been reported in the literature in individuals affected with AGL-related conditions. Algorithms developed to predict the effect of missense changes on protein structure and function (SIFT, PolyPhen-2, Align-GVGD) all suggest that this variant is likely to be tolerated. In summary, the available evidence is currently insufficient to determine the role of this variant in disease. Therefore, it has been classified as a Variant of Uncertain Significance.

NM_000642.3(AGL):c.978G>C (p.Lys326Asn)

Gene: AGL (amylo-alpha-1,6-glucosidase and 4-alpha-glucanotransferase; plus strand). Cytogenetic location: 1p21.2.
Variant type: single nucleotide variant.
Coding change: c.978G>C on transcript NM_000642.3 (MANE Select); coding-DNA position 978, G replaced by C.
Protein change: p.Lys326Asn; replaces lysine 326 with asparagine.
Molecular consequence: missense variant.
Genome position (GRCh38, 1-based): chr1:99,874,706, G>C. VCF-style: chr1-99874706-G-C. GRCh37 (hg19) VCF-style: chr1-100340262-G-C.
Other names: c.978G>C, p.Lys326Asn (NM_000643.3, NM_000028.3, NM_000644.3 and 3 more transcripts); c.930G>C, p.Lys310Asn (NM_000646.3); c.774G>C, p.Lys258Asn (NM_001425328.1, NM_001425329.1); c.600G>C, p.Lys200Asn (NM_001425332.1); short protein forms K310N, K326N, K200N, K258N.
Identifiers: ClinVar variation 1985058 (VCV001985058.4), dbSNP rs2524594052, ClinGen allele CA341342930.